The following is an entry in ClinVar:

NM_003124.5(SPR):c.74C>G (p.Pro25Arg)

Genes: SPR (sepiapterin reductase; plus strand), LOC129934069 (ATAC-STARR-seq lymphoblastoid silent region 11626; plus strand). Cytogenetic location: 2p13.2.
Variant type: single nucleotide variant.
Coding change: c.74C>G on transcript NM_003124.5 (MANE Select); coding-DNA position 74, C replaced by G.
Protein change: p.Pro25Arg; replaces proline 25 with arginine.
Molecular consequence: missense variant.
Genome position (GRCh38, 1-based): chr2:72,887,506, C>G. VCF-style: chr2-72887506-C-G. GRCh37 (hg19) VCF-style: chr2-73114635-C-G.
Other names: short protein forms P25R.
Identifiers: ClinVar variation 1944365 (VCV001944365.2), dbSNP rs896031772, ClinGen allele CA49795449.

ClinVar aggregate classification (germline): Uncertain significance (1 of 4 stars; one submission).

Conditions:
Dystonic disorder. Also called: Dystonia. Identifiers: MedGen C0013421, MONDO:0003441, HP:0001332.

Allele frequency attached by ClinVar (database versions not stated): TOPMed 0.00011; gnomAD 0.00013.

Submission:

Labcorp Genetics (formerly Invitae), Labcorp
Classification: Uncertain significance for Dystonic disorder. Last evaluated: 2022-09-27. Review status: criteria provided, single submitter. Criteria: Invitae Variant Classification Sherloc (09022015). Collection method: clinical testing. Allele origin: germline.
Comment: This sequence change replaces proline, which is neutral and non-polar, with arginine, which is basic and polar, at codon 25 of the SPR protein (p.Pro25Arg). This variant is present in population databases (no rsID available, gnomAD 0.04%). This variant has not been reported in the literature in individuals affected with SPR-related conditions. Advanced modeling of protein sequence and biophysical properties (such as structural, functional, and spatial information, amino acid conservation, physicochemical variation, residue mobility, and thermodynamic stability) performed at Invitae indicates that this missense variant is not expected to disrupt SPR protein function. In summary, the available evidence is currently insufficient to determine the role of this variant in disease. Therefore, it has been classified as a Variant of Uncertain Significance.